The following is an entry in ClinVar:

NM_206926.2(SELENON):c.725_727dup (p.Ala242_Cys243insSer)

Gene: SELENON (selenoprotein N; plus strand). Cytogenetic location: 1p36.11.
Variant type: Duplication.
Coding change: c.725_727dup on transcript NM_206926.2 (MANE Select); coding-DNA positions 725 to 727, 3 bases duplicated (CCT; older notation c.725_727dupCCT).
Protein change: p.Ala242_Cys243insSer.
Molecular consequence: inframe insertion.
Genome position (GRCh38, 1-based): chr1:25,809,105-25,809,107, CCT duplicated. VCF-style (leftmost placement, unchanged base first): chr1-25809104-G-GCCT. GRCh37 (hg19) VCF-style: chr1-26135595-G-GCCT.
Other names: NM_020451.3(SELENON):c.827_829dup; p.Cys277_Leu278insSer; c.827_829dup, p.Ala276_Cys277insSer (NM_020451.3).
Identifiers: ClinVar variation 212149 (VCV000212149.10), dbSNP rs797045950, ClinGen allele CA276995.

ClinVar aggregate classification (germline): Likely pathogenic. Review status: criteria provided, multiple submitters, no conflicts (2 of 4 stars). 4 submissions from 4 submitters: Likely pathogenic (4). Last evaluated 2023-12-11.

Conditions:
Congenital myopathy 4A, autosomal dominant (CMYO4A). Identifiers: MedGen CN178536, MONDO:0800341, OMIM 255310.
Eichsfeld type congenital muscular dystrophy (CMYO3). Also called: Rigid spine muscular dystrophy 1; SELENON-related myopathy; Congenital myopathy 3 with rigid spine; MYOPATHY, SEPN1-RELATED. Identifiers: MedGen C0410180, MONDO:0100100, OMIM 602771.
Congenital myopathy with fiber type disproportion. Also called: Congenital fiber-type disproportion; Congenital fiber-type disproportion myopathy. Identifiers: Orphanet 2020, MedGen C0546264, MONDO:0009711. Inheritance: all.

Allele frequency attached by ClinVar (database versions not stated): gnomAD below 0.00001 and 0.00001; gnomAD exomes 0.00001.

Submissions (4):

GeneDx
Classification: Likely pathogenic. Last evaluated: 2023-12-11. Review status: criteria provided, single submitter. Criteria: GeneDx Variant Classification Process June 2021. Collection method: clinical testing. Allele origin: germline. Affected: yes.
Comment: Not observed at significant frequency in large population cohorts (gnomAD); In-frame insertion of 1 amino acid in a non-repeat region; This variant is associated with the following publications: (PMID: 26780752, 30932294, 31069529)

Broad Center for Mendelian Genomics, Broad Institute of MIT and Harvard
Classification: Likely pathogenic. Last evaluated: 2023-01-24. Review status: criteria provided, single submitter. Criteria: ACMG Guidelines, 2015. Collection method: curation. Allele origin: germline. Inheritance: Autosomal recessive inheritance.
Comment: The p.Ala276_Cys277insSer variant in SELENON has been reported in 2 individuals with SELENON-RM (PMID: 30932294, 26780752) and has been identified in 0.007% (2/30600) of South Asian chromosomes by the Genome Aggregation Database (gnomAD; dbSNP ID: rs1329981323). Although this variant has been seen in the general population in a heterozygous state, its frequency is low enough to be consistent with a recessive carrier frequency. This variant has also been reported in ClinVar (Variation ID#: 212149) and has been interpreted as likely pathogenic by GeneDx and Genetic Services Laboratory (University of Chicago). Of the 2 affected individuals, both were homozygotes, which increases the likelihood that the p.Ala276_Cys277insSer variant is pathogenic (PMID: 30932294, 26780752). In vitro functional studies provide some evidence that the p.Ala276_Cys277insSer variant may impact protein function (PMID: 30932294). However, these types of assays may not accurately represent biological function. This variant is an insertion of 1 amino acid at position 276 and is not predicted to alter the protein reading-frame. This insertion is expected to impact the protein. In summary, although additional studies are required to fully establish its clinical significance, this variant is likely pathogenic for autosomal recessive SELENON-RM. ACMG/AMP Criteria applied: PM3, PS3_moderate, PM2_supporting, PM4_supporting (Richards 2015).

Genetic Services Laboratory, University of Chicago
Classification: Likely pathogenic for Myopathy, congenital, with fiber-type disproportion. Last evaluated: 2015-04-14. Review status: criteria provided, single submitter. Criteria: ACMG Guidelines, 2015. Collection method: clinical testing. Allele origin: germline. Affected: yes.

Neuberg Centre For Genomic Medicine, NCGM
Classification: Likely pathogenic for Congenital myopathy 4A, autosomal dominant. Review status: criteria provided, single submitter. Criteria: ACMG Guidelines, 2015. Collection method: clinical testing. Allele origin: germline. Inheritance: Autosomal dominant inheritance. Affected: yes.
Comment: The inframe insertion variant c.827_829dup (p.Ala276_Cys277insSer) has been submitted to ClinVar as Likely Pathogenic. It has been reported previously using alternate nomenclature (c.829_829insTCC) in the homozygous state in an individual with significant neck extensor and flexor weakness, mild axial and limb girdle weakness, and developmental delay (Ardissone et al., 2016). This p.Ala276_Cys277insSer variant has allele frequency of 0.0008% in the gnomAD and novel (not in any individuals) in 1000 genome database . The insertion of amino acid Ser between amino acids Ala at position 276 and Cys at position 277 changing protein sequence and it might alter its composition and physico-chemical properties. For these reasons, this variant has been classified as Likely Pathogenic. In the absence of another reportable variant , the molecular diagnosis is not confirmed.

Literature cited by the submitters: PubMed 30932294 (cited by Broad Center for Mendelian Genomics, Broad Institute of MIT and Harvard).